The following is an entry in ClinVar:

ClinVar aggregate classification (germline): Pathogenic (1 of 4 stars; one submission).

Conditions:
Cohen syndrome (COH1). Also called: Cutis verticis gyrata, retinitis pigmentosa, and sensorineural deafness; PEPPER SYNDROME. Identifiers: Orphanet 193, MedGen C0265223, MONDO:0008999, OMIM 216550.

Submission:

Labcorp Genetics (formerly Invitae), Labcorp
Classification: Pathogenic for Cohen syndrome. Last evaluated: 2023-04-26. Review status: criteria provided, single submitter. Criteria: Invitae Variant Classification Sherloc (09022015). Collection method: clinical testing. Allele origin: germline.
Comment: This sequence change creates a premature translational stop signal (p.Glu1660*) in the VPS13B gene. It is expected to result in an absent or disrupted protein product. Loss-of-function variants in VPS13B are known to be pathogenic (PMID: 15141358, 16648375, 20461111). For these reasons, this variant has been classified as Pathogenic. This variant has not been reported in the literature in individuals affected with VPS13B-related conditions. This variant is not present in population databases (gnomAD no frequency).

Literature cited by the submitters: PubMed 15141358; PubMed 16648375; PubMed 20461111.

NM_152564.5(VPS13B):c.4903G>T (p.Glu1635Ter)

Gene: VPS13B (vacuolar protein sorting 13 homolog B; plus strand). Cytogenetic location: 8q22.2.
Variant type: single nucleotide variant.
Coding change: c.4903G>T on transcript NM_152564.5 (MANE Select); coding-DNA position 4903, G replaced by T.
Protein change: p.Glu1635Ter; replaces glutamic acid 1635 with a stop codon.
Molecular consequence: nonsense.
Genome position (GRCh38, 1-based): chr8:99,556,607, G>T. VCF-style: chr8-99556607-G-T. GRCh37 (hg19) VCF-style: chr8-100568835-G-T.
Other names: c.4978G>T, p.Glu1660Ter (NM_017890.5); short protein forms E1660*, E1635*.
Identifiers: ClinVar variation 2859426 (VCV002859426.3), dbSNP rs2490790026, ClinGen allele CA371869632.